The following is an entry in ClinVar:

ClinVar aggregate classification (germline): Uncertain significance (1 of 4 stars; one submission).

Allele frequency attached by ClinVar (database versions not stated): ExAC 0.00001; TOPMed 0.00001; gnomAD 0.00002; ESP Exome Variant Server 0.00009.
gnomAD v4.1: 2 of 1,209,543 alleles (0.00017%); highest among the groups gnomAD compares: African/African-American, 0.0035%; no homozygotes.

Submission:

Greenwood Genetic Center Diagnostic Laboratories, Greenwood Genetic Center
Classification: Uncertain significance. Last evaluated: 2023-12-20. Review status: criteria provided, single submitter. Criteria: ACMG Guidelines, 2015. Collection method: clinical testing. Allele origin: germline. Affected: yes.
Comment: PM2, BP4, PP2

NM_004606.5(TAF1):c.683C>T (p.Thr228Ile)

Gene: TAF1 (TATA-box binding protein associated factor 1; plus strand). Cytogenetic location: Xq13.1.
Variant type: single nucleotide variant.
Coding change: c.683C>T on transcript NM_004606.5 (MANE Select); coding-DNA position 683, C replaced by T.
Protein change: p.Thr228Ile; replaces threonine 228 with isoleucine.
Molecular consequence: missense variant. On other transcripts: non-coding transcript variant (9).
Genome position (GRCh38, 1-based): chrX:71,377,160, C>T. VCF-style: chrX-71377160-C-T. GRCh37 (hg19) VCF-style: chrX-70597010-C-T.
Other names: c.683C>T, p.Thr228Ile (NM_001286074.2); c.620C>T, p.Thr207Ile (NM_138923.4); short protein forms T207I, T228I.
Identifiers: ClinVar variation 2692520 (VCV002692520.1), dbSNP rs151257934, ClinGen allele CA10446591.